The following is an entry in ClinVar:

NM_000903.3(NQO1):c.304T>G (p.Phe102Val)

Gene: NQO1 (NAD(P)H quinone dehydrogenase 1; minus strand). Cytogenetic location: 16q22.1.
Variant type: single nucleotide variant.
Coding change: c.304T>G on transcript NM_000903.3 (MANE Select); coding-DNA position 304, T replaced by G.
Protein change: p.Phe102Val; replaces phenylalanine 102 with valine.
Molecular consequence: missense variant. On other transcripts: intron variant (2).
Genome position (GRCh38, 1-based): chr16:69,715,077, A>C on the plus strand (T>G on the coding strand, the complement: NQO1 is on the minus strand). VCF-style: chr16-69715077-A-C. GRCh37 (hg19) VCF-style: chr16-69748980-A-C.
Other names: c.304T>G, p.Phe102Val (NM_001025433.2); c.303+3046T>G (NM_001286137.2); c.304-1948T>G (NM_001025434.2); short protein forms F102V.
Identifiers: ClinVar variation 1799259 (VCV001799259.2), dbSNP rs775472154, ClinGen allele CA8136248.

ClinVar aggregate classification (germline): Uncertain significance (1 of 4 stars; one submission).

Allele frequency attached by ClinVar (database versions not stated): gnomAD exomes 0.00001; ExAC 0.00002.
gnomAD v4.1: 4 of 1,611,192 alleles (0.00025%); highest among the groups gnomAD compares: East Asian, 0.0045%; no homozygotes.

Submission:

Ambry Genetics
Classification: Uncertain significance. Last evaluated: 2023-11-21. Review status: criteria provided, single submitter. Criteria: Ambry Variant Classification Scheme 2023. Collection method: clinical testing. Allele origin: germline.
Comment: The p.F102V variant (also known as c.304T>G) is located in coding exon 4 of the NQO1 gene. The phenylalanine at codon 102 is replaced by valine, an amino acid with highly similar properties. This change occurs in the first base pair of coding exon 4. This amino acid position is conserved. In addition, the in silico prediction for this alteration is inconclusive. Since supporting evidence is limited at this time, the clinical significance of this alteration remains unclear.